The following is an entry in ClinVar:

NM_006766.5(KAT6A):c.4003C>T (p.Gln1335Ter)

Gene: KAT6A (lysine acetyltransferase 6A; minus strand). Cytogenetic location: 8p11.21.
Variant type: single nucleotide variant.
Coding change: c.4003C>T on transcript NM_006766.5 (MANE Select); coding-DNA position 4003, C replaced by T.
Protein change: p.Gln1335Ter; replaces glutamine 1335 with a stop codon.
Molecular consequence: nonsense.
Genome position (GRCh38, 1-based): chr8:41,934,217, G>A on the plus strand (C>T on the coding strand, the complement: KAT6A is on the minus strand). VCF-style: chr8-41934217-G-A. GRCh37 (hg19) VCF-style: chr8-41791735-G-A.
Other names: short protein forms Q1335*.
Identifiers: ClinVar variation 1997700 (VCV001997700.5), dbSNP rs2486756723, ClinGen allele CA371067253.

ClinVar aggregate classification (germline): Pathogenic/Likely pathogenic. Review status: criteria provided, multiple submitters, no conflicts (2 of 4 stars). 2 submissions from 2 submitters: Pathogenic (1); Likely pathogenic (1). Last evaluated 2024-09-30.

Conditions:
KAT6A-related disorder. Also called: KAT6A-related condition.

Submissions (2):

Blueprint Genetics
Classification: Likely pathogenic for KAT6A-related disorders. Last evaluated: 2024-09-30. Review status: criteria provided, single submitter. Criteria: ACMG Guidelines, 2015. Collection method: clinical testing. Allele origin: germline. Affected: yes. Observed: 1 variant allele.

Labcorp Genetics (formerly Invitae), Labcorp
Classification: Pathogenic. Last evaluated: 2023-07-14. Review status: criteria provided, single submitter. Criteria: Invitae Variant Classification Sherloc (09022015). Collection method: clinical testing. Allele origin: germline.
Comment: For these reasons, this variant has been classified as Pathogenic. This variant disrupts a region of the KAT6A protein in which other variant(s) (p.Gly1549Ser) have been determined to be pathogenic (PMID: 30245513, 34748993). This suggests that this is a clinically significant region of the protein, and that variants that disrupt it are likely to be disease-causing. ClinVar contains an entry for this variant (Variation ID: 1997700). This variant has not been reported in the literature in individuals affected with KAT6A-related conditions. This variant is not present in population databases (gnomAD no frequency). This sequence change creates a premature translational stop signal (p.Gln1335*) in the KAT6A gene. While this is not anticipated to result in nonsense mediated decay, it is expected to disrupt the last 670 amino acid(s) of the KAT6A protein.

Literature cited by the submitters: PubMed 30245513 (cited by Labcorp Genetics (formerly Invitae), Labcorp); PubMed 34748993 (cited by Labcorp Genetics (formerly Invitae), Labcorp).